The following is an entry in ClinVar:

NM_022726.4(ELOVL4):c.311C>T (p.Ala104Val)

Gene: ELOVL4 (ELOVL fatty acid elongase 4; minus strand). Cytogenetic location: 6q14.1.
Variant type: single nucleotide variant.
Coding change: c.311C>T on transcript NM_022726.4 (MANE Select); coding-DNA position 311, C replaced by T.
Protein change: p.Ala104Val; replaces alanine 104 with valine.
Molecular consequence: missense variant.
Genome position (GRCh38, 1-based): chr6:79,925,010, G>A on the plus strand (C>T on the coding strand, the complement: ELOVL4 is on the minus strand). VCF-style: chr6-79925010-G-A. GRCh37 (hg19) VCF-style: chr6-80634727-G-A.
Other names: short protein forms A104V.
Identifiers: ClinVar variation 911550 (VCV000911550.14), dbSNP rs200915130, ClinGen allele CA3901559.
Genomic context (GRCh38, chr6:79,925,010, plus strand): 5'-ACCCTGACTTCATGAACATTATTAGAATAATCCACACTCTGGCAAATATAGCTATATCCC[G>A]CATTATATGATCCCATGAATAACTGGAAAAAGAGTAATAATATTTGTAGTAAAGTTTTAG-3'
Protein context (NP_073563.1, residues 94-114): FRELFMGSYN[Ala104Val]GYSYICQSVD

ClinVar aggregate classification (germline): Conflicting classifications of pathogenicity. Review status: criteria provided, conflicting classifications (1 of 4 stars). 5 submissions from 5 submitters: Uncertain significance (4); Likely benign (1). Last evaluated 2025-11-21.

Conditions:
Inborn genetic diseases. Identifiers: MedGen C0950123, MeSH D030342.
Stargardt disease 3. Also called: STARGARDT-LIKE MACULAR DYSTROPHY, AUTOSOMAL DOMINANT; MACULAR DYSTROPHY WITH FLECKS, TYPE 3. Identifiers: Orphanet 827, MedGen C1838644, MONDO:0010819, OMIM 600110.
ELOVL4-related disorder. Also called: ELOVL4-related condition; ELOVL4-related disorders.

Allele frequency attached by ClinVar (database versions not stated): ExAC 0.00004; ESP Exome Variant Server 0.00008; gnomAD exomes 0.00008.
gnomAD v4.1: 381 of 1,604,114 alleles (0.024%); highest among the groups gnomAD compares: Non-Finnish European, 0.031%; no homozygotes.

Submissions (5):

Labcorp Genetics (formerly Invitae), Labcorp
Classification: Uncertain significance. Last evaluated: 2025-11-21. Review status: criteria provided, single submitter. Criteria: Invitae Variant Classification Sherloc (09022015). Collection method: clinical testing. Allele origin: germline.
Comment: This sequence change replaces alanine, which is neutral and non-polar, with valine, which is neutral and non-polar, at codon 104 of the ELOVL4 protein (p.Ala104Val). This variant is present in population databases (rs200915130, gnomAD 0.01%). This variant has not been reported in the literature in individuals affected with ELOVL4-related conditions. ClinVar contains an entry for this variant (Variation ID: 911550). Invitae Evidence Modeling of protein sequence and biophysical properties (such as structural, functional, and spatial information, amino acid conservation, physicochemical variation, residue mobility, and thermodynamic stability) indicates that this missense variant is not expected to disrupt ELOVL4 protein function with a negative predictive value of 80%. In summary, the available evidence is currently insufficient to determine the role of this variant in disease. Therefore, it has been classified as a Variant of Uncertain Significance.

PreventionGenetics, part of Exact Sciences
Classification: Uncertain significance for ELOVL4-related condition. Last evaluated: 2025-11-07. Review status: criteria provided, single submitter. Criteria: ACMG Guidelines, 2015. Collection method: clinical testing. Allele origin: germline.
Comment: The ELOVL4 c.311C>T variant is predicted to result in the amino acid substitution p.Ala104Val. To our knowledge, this variant has not been reported in the literature. This variant is reported in 0.011% of alleles in individuals of Latino descent in gnomAD. At this time, the clinical significance of this variant is uncertain due to the absence of conclusive functional and genetic evidence.

GeneDx
Classification: Uncertain significance. Last evaluated: 2023-12-02. Review status: criteria provided, single submitter. Criteria: GeneDx Variant Classification Process June 2021. Collection method: clinical testing. Allele origin: germline. Affected: yes.
Comment: Has not been previously published as pathogenic or benign to our knowledge; In silico analysis supports that this missense variant does not alter protein structure/function

Ambry Genetics
Classification: Uncertain significance for Inborn genetic diseases. Last evaluated: 2021-09-17. Review status: criteria provided, single submitter. Criteria: Ambry Variant Classification Scheme 2023. Collection method: clinical testing. Allele origin: germline.

Illumina Laboratory Services, Illumina
Classification: Likely benign for Stargardt disease 3. Last evaluated: 2018-01-12. Review status: criteria provided, single submitter. Criteria: ICSL Variant Classification Criteria 13 December 2019. Collection method: clinical testing. Allele origin: germline.
Comment: This variant was observed in the ICSL laboratory as part of a predisposition screen in an ostensibly healthy population. It had not been previously curated by ICSL or reported in the Human Gene Mutation Database (HGMD: prior to June 1st, 2018), and was therefore a candidate for classification through an automated scoring system. Utilizing variant allele frequency, disease prevalence and penetrance estimates, and inheritance mode, an automated score was calculated to assess if this variant is too frequent to cause the disease. Based on the score and internal cut-off values, a variant classified as likely benign is not then subjected to further curation. The score for this variant resulted in a classification of likely benign for this disease.